The following is an entry in ClinVar:

ClinVar aggregate classification (germline): Uncertain significance (1 of 4 stars; one submission).

gnomAD v4.1: 1 of 1,614,202 alleles (0.000062%); highest among the groups gnomAD compares: Non-Finnish European, 0.000085%; no homozygotes.

Submission:

Labcorp Genetics (formerly Invitae), Labcorp
Classification: Uncertain significance. Last evaluated: 2024-12-03. Review status: criteria provided, single submitter. Criteria: Invitae Variant Classification Sherloc (09022015). Collection method: clinical testing. Allele origin: germline.
Comment: This sequence change replaces proline, which is neutral and non-polar, with leucine, which is neutral and non-polar, at codon 1943 of the SRCAP protein (p.Pro1943Leu). This variant is present in population databases (rs775301897, gnomAD 0.0009%). This variant has not been reported in the literature in individuals affected with SRCAP-related conditions. Invitae Evidence Modeling of protein sequence and biophysical properties (such as structural, functional, and spatial information, amino acid conservation, physicochemical variation, residue mobility, and thermodynamic stability) indicates that this missense variant is not expected to disrupt SRCAP protein function with a negative predictive value of 80%. In summary, the available evidence is currently insufficient to determine the role of this variant in disease. Therefore, it has been classified as a Variant of Uncertain Significance.

NM_006662.3(SRCAP):c.5828C>T (p.Pro1943Leu)

Gene: SRCAP (Snf2 related CREBBP activator protein; plus strand). Cytogenetic location: 16p11.2.
Variant type: single nucleotide variant.
Coding change: c.5828C>T on transcript NM_006662.3 (MANE Select); coding-DNA position 5828, C replaced by T.
Protein change: p.Pro1943Leu; replaces proline 1943 with leucine.
Molecular consequence: missense variant.
Genome position (GRCh38, 1-based): chr16:30,729,135, C>T. VCF-style: chr16-30729135-C-T. GRCh37 (hg19) VCF-style: chr16-30740456-C-T.
Other names: short protein forms P1943L.
Identifiers: ClinVar variation 3664849 (VCV003664849.2).
Genomic context (GRCh38, chr16:30,729,135, plus strand): 5'-TGGATTTCTGTACCCTGCCCCAACCTGTTGCCAGCCCCATCGGCCCTCGTTCTCCTGGCC[C>T]CAGCCACCCCACCTTTTGGACTTATACCGAGGCTGCCCACCGGGCTGTACTGTTTCCCCA-3'
Protein context (NP_006653.2, residues 1933-1953): ASPIGPRSPG[Pro1943Leu]SHPTFWTYTE